The following is an entry in ClinVar:

NM_001042492.3(NF1):c.7986C>T (p.Asp2662=)

Gene: NF1 (neurofibromin 1; plus strand). Cytogenetic location: 17q11.2.
Variant type: single nucleotide variant.
Coding change: c.7986C>T on transcript NM_001042492.3 (MANE Select); coding-DNA position 7986, C replaced by T.
Protein change: p.Asp2662=; no amino-acid change (aspartic acid 2662 retained).
Molecular consequence: synonymous variant.
Genome position (GRCh38, 1-based): chr17:31,358,495, C>T. VCF-style: chr17-31358495-C-T. GRCh37 (hg19) VCF-style: chr17-29685513-C-T.
Other names: c.7923C>T, p.Asp2641= (NM_000267.4).
Identifiers: ClinVar variation 230409 (VCV000230409.16), dbSNP rs876658550, ClinGen allele CA10580428.
Genomic context (GRCh38, chr17:31,358,495, plus strand): 5'-ATTTTCCTCTAAAATGTTCCTCTGTTGACTTTTTTTTTCTTTTAGGCATAATTTGTTGGA[C>T]TCTAAGATCAACACCCTGTTATCATTGTGCCAAGATCCAAATTTGTTAAATCCAATCCAT-3'
Protein context (NP_001035957.1, residues 2652-2672): KVFPVVHNLL[Asp2662=]SKINTLLSLC

ClinVar aggregate classification (germline): Benign/Likely benign. Review status: criteria provided, multiple submitters, no conflicts (2 of 4 stars). 5 submissions from 5 submitters: Benign (1); Likely benign (4). Last evaluated 2026-05-22.

Conditions:
Hereditary cancer-predisposing syndrome. Also called: Hereditary neoplastic syndrome; Neoplastic Syndromes, Hereditary; Hereditary Cancer Syndrome; Tumor predisposition. Identifiers: Orphanet 140162, MedGen C0027672, MeSH D009386, MONDO:0015356.
Neurofibromatosis, type 1 (NF1). Also called: NEUROFIBROMATOSIS, TYPE I, SOMATIC; Neurofibromatosis, type I; VON RECKLINGHAUSEN DISEASE; Peripheral type neurofibromatosis. Identifiers: Orphanet 636, MedGen C0027831, MONDO:0018975, OMIM 162200. Disease mechanism: loss of function.

Allele frequency attached by ClinVar (database versions not stated): gnomAD exomes below 0.00001; TOPMed below 0.00001.
gnomAD v4.1: 3 of 1,613,674 alleles (0.00019%); highest among the groups gnomAD compares: Non-Finnish European, 0.00025%; no homozygotes.

Submissions (5):

Myriad Genetics, Inc.
Classification: Benign for Neurofibromatosis, type 1. Last evaluated: 2026-05-22. Review status: criteria provided, single submitter. Criteria: Myriad Autosomal Dominant, Autosomal Recessive and X-Linked Classification Criteria (2023). Collection method: clinical testing. Allele origin: unknown.
Comment: This variant is considered benign. This variant is a silent/synonymous amino acid change and it is not expected to impact splicing.

Labcorp Genetics (formerly Invitae), Labcorp
Classification: Likely benign for Neurofibromatosis, type 1. Last evaluated: 2026-01-28. Review status: criteria provided, single submitter. Criteria: Invitae Variant Classification Sherloc (09022015). Collection method: clinical testing. Allele origin: germline.

Genome-Nilou Lab
Classification: Likely benign for Neurofibromatosis, type 1. Last evaluated: 2022-03-15. Review status: criteria provided, single submitter. Criteria: ACMG Guidelines, 2015. Collection method: clinical testing. Allele origin: germline. Affected: no.

GeneDx
Classification: Likely benign. Last evaluated: 2019-05-08. Review status: criteria provided, single submitter. Criteria: GeneDx Variant Classification Process June 2021. Collection method: clinical testing. Allele origin: germline. Affected: yes.

Ambry Genetics
Classification: Likely benign for Hereditary cancer-predisposing syndrome. Last evaluated: 2015-02-23. Review status: criteria provided, single submitter. Criteria: Ambry Autosomal Dominant and X-Linked criteria (10/2015). Collection method: clinical testing. Allele origin: germline. Observed: 1 variant allele.